The following is an entry in ClinVar:

NM_001122769.3(LCA5):c.245del (p.Gly82fs)

Gene: LCA5 (lebercilin LCA5; minus strand). Cytogenetic location: 6q14.1.
Variant type: Deletion.
Coding change: c.245del on transcript NM_001122769.3 (MANE Select); coding-DNA position 245, one base deleted (G; older notation c.245delG).
Protein change: p.Gly82fs; shifts the reading frame from glycine 82.
Molecular consequence: frameshift variant.
Genome position (GRCh38, 1-based): chr6:79,513,687, C deleted on the plus strand (G on the coding strand, the reverse complement: LCA5 is on the minus strand); the first of 3 consecutive C bases (chr6:79,513,687-79,513,689); deleting any one gives the same sequence. VCF-style (leftmost placement, unchanged base first): chr6-79513686-TC-T. GRCh37 (hg19) VCF-style: chr6-80223403-TC-T.
Other names: c.245del, p.Gly82fs (NM_181714.4); short protein forms G82fs.
Identifiers: ClinVar variation 2801458 (VCV002801458.3), dbSNP rs2533440335, ClinGen allele CA2739273268.
Genomic context (GRCh38, chr6:79,513,686, plus strand): 5'-TTTTGTAACAAGATCAGTATCTTTCCGAAGTGGCTCTCTATTGAGGCTCTGGGAGCGAAA[TC>T]CCACTCGGACTCCCTTTCTGTTTGGTAGACCCTTAGGGCTTGGTTTCCGAGGGGCTAAAA-3'

ClinVar aggregate classification (germline): Pathogenic (1 of 4 stars; one submission).

Submission:

Labcorp Genetics (formerly Invitae), Labcorp
Classification: Pathogenic. Last evaluated: 2023-04-09. Review status: criteria provided, single submitter. Criteria: Invitae Variant Classification Sherloc (09022015). Collection method: clinical testing. Allele origin: germline.
Comment: For these reasons, this variant has been classified as Pathogenic. This variant has not been reported in the literature in individuals affected with LCA5-related conditions. This variant is not present in population databases (gnomAD no frequency). This sequence change creates a premature translational stop signal (p.Gly82Aspfs*29) in the LCA5 gene. It is expected to result in an absent or disrupted protein product. Loss-of-function variants in LCA5 are known to be pathogenic (PMID: 17546029, 23946133).

Literature cited by the submitters: PubMed 17546029; PubMed 23946133.